The following is an entry in ClinVar:

NM_000548.5(TSC2):c.3884-3C>T

Gene: TSC2 (TSC complex subunit 2; plus strand). Cytogenetic location: 16p13.3.
Variant type: single nucleotide variant.
Coding change: c.3884-3C>T on transcript NM_000548.5 (MANE Select); 3 bases into the intron before coding-DNA position 3884, C replaced by T.
Molecular consequence: intron variant.
Genome position (GRCh38, 1-based): chr16:2,083,692, C>T. VCF-style: chr16-2083692-C-T. GRCh37 (hg19) VCF-style: chr16-2133693-C-T.
Other names: c.3815-3C>T (NM_001114382.3); c.3755-3C>T (NM_021055.3, NM_001370405.1); c.3686-3C>T (NM_001363528.2); c.3752-3C>T (NM_001370404.1); c.3683-3C>T (NM_001077183.3); c.3575-3C>T (NM_001318827.2); c.3152-3C>T (NM_001318831.2); c.3539-3C>T (NM_001318829.2); and 1 more.
Identifiers: ClinVar variation 940837 (VCV000940837.11), dbSNP rs2090415795, ClinGen allele CA1139664279.

ClinVar aggregate classification (germline): Conflicting classifications of pathogenicity. Review status: criteria provided, conflicting classifications (1 of 4 stars). 3 submissions from 3 submitters: Uncertain significance (1); Likely benign (2). Last evaluated 2025-08-17.

Conditions:
Hereditary cancer-predisposing syndrome. Also called: Tumor predisposition; Hereditary neoplastic syndrome; Neoplastic Syndromes, Hereditary; Hereditary Cancer Syndrome. Identifiers: Orphanet 140162, MedGen C0027672, MeSH D009386, MONDO:0015356.
Tuberous sclerosis 2 (TSC2). Identifiers: Orphanet 805, MedGen C1860707, MONDO:0013199, OMIM 613254.
Tuberous sclerosis syndrome (TSC). Also called: Tuberous sclerosis; Tuberous Sclerosis Complex. Identifiers: Orphanet 805, MedGen C0041341, MONDO:0001734.

Allele frequency attached by ClinVar (database versions not stated): gnomAD exomes below 0.00001.

Submissions (3):

Color Diagnostics, LLC DBA Color Health
Classification: Likely benign for Tuberous sclerosis syndrome. Last evaluated: 2025-08-17. Review status: criteria provided, single submitter. Criteria: ACMG Guidelines, 2015. Collection method: clinical testing. Allele origin: germline.

Labcorp Genetics (formerly Invitae), Labcorp
Classification: Likely benign for Tuberous sclerosis 2. Last evaluated: 2025-08-13. Review status: criteria provided, single submitter. Criteria: Invitae Variant Classification Sherloc (09022015). Collection method: clinical testing. Allele origin: germline.

Ambry Genetics
Classification: Uncertain significance for Hereditary cancer-predisposing syndrome. Last evaluated: 2023-04-20. Review status: criteria provided, single submitter. Criteria: Ambry Variant Classification Scheme 2023. Collection method: clinical testing. Allele origin: germline.
Comment: The c.3884-3C>T intronic variant results from a C to T substitution 3 nucleotides upstream from coding exon 32 in the TSC2 gene. This nucleotide position is well conserved in available vertebrate species. In silico splice site analysis predicts that this alteration will not have any significant effect on splicing. Since supporting evidence is limited at this time, the clinical significance of this alteration remains unclear.